The following is an entry in ClinVar:

NM_020937.4(FANCM):c.5230G>C (p.Glu1744Gln)

Gene: FANCM (FA complementation group M; plus strand). Cytogenetic location: 14q21.2.
Variant type: single nucleotide variant.
Coding change: c.5230G>C on transcript NM_020937.4 (MANE Select); coding-DNA position 5230, G replaced by C.
Protein change: p.Glu1744Gln; replaces glutamic acid 1744 with glutamine.
Molecular consequence: missense variant.
Genome position (GRCh38, 1-based): chr14:45,189,252, G>C. VCF-style: chr14-45189252-G-C. GRCh37 (hg19) VCF-style: chr14-45658455-G-C.
Other names: c.5152G>C, p.Glu1718Gln (NM_001308133.2); short protein forms E1718Q, E1744Q.
Identifiers: ClinVar variation 4022658 (VCV004022658.1).

ClinVar aggregate classification (germline): Uncertain significance (1 of 4 stars; one submission).

Conditions:
Inborn genetic diseases. Identifiers: MedGen C0950123, MeSH D030342.

gnomAD v4.1: 1 of 1,614,024 alleles (0.000062%); highest among the groups gnomAD compares: Non-Finnish European, 0.000085%; no homozygotes.

Submission:

Ambry Genetics
Classification: Uncertain significance for Inborn genetic diseases. Last evaluated: 2025-04-06. Review status: criteria provided, single submitter. Criteria: Ambry Variant Classification Scheme 2023. Collection method: clinical testing. Allele origin: germline.
Comment: The p.E1744Q variant (also known as c.5230G>C), located in coding exon 20 of the FANCM gene, results from a G to C substitution at nucleotide position 5230. The glutamic acid at codon 1744 is replaced by glutamine, an amino acid with highly similar properties. This amino acid position is conserved. In addition, this alteration is predicted to be tolerated by in silico analysis. Based on the available evidence, the clinical significance of this variant remains unclear.